The following is an entry in ClinVar:

NM_001430.5(EPAS1):c.1390G>T (p.Ala464Ser)

Gene: EPAS1 (endothelial PAS domain protein 1; plus strand). Cytogenetic location: 2p21.
Variant type: single nucleotide variant.
Coding change: c.1390G>T on transcript NM_001430.5 (MANE Select); coding-DNA position 1390, G replaced by T.
Protein change: p.Ala464Ser; replaces alanine 464 with serine.
Molecular consequence: missense variant.
Genome position (GRCh38, 1-based): chr2:46,378,034, G>T. VCF-style: chr2-46378034-G-T. GRCh37 (hg19) VCF-style: chr2-46605173-G-T.
Other names: short protein forms A464S.
Identifiers: ClinVar variation 2456348 (VCV002456348.2), dbSNP rs1331725792, ClinGen allele CA346703982.

ClinVar aggregate classification (germline): Uncertain significance (1 of 4 stars; one submission).

Conditions:
Inborn genetic diseases. Identifiers: MedGen C0950123, MeSH D030342.

Submission:

Ambry Genetics
Classification: Uncertain significance for Inborn genetic diseases. Last evaluated: 2023-01-11. Review status: criteria provided, single submitter. Criteria: Ambry Variant Classification Scheme 2023. Collection method: clinical testing. Allele origin: germline.
Comment: The p.A464S variant (also known as c.1390G>T), located in coding exon 10 of the EPAS1 gene, results from a G to T substitution at nucleotide position 1390. The alanine at codon 464 is replaced by serine, an amino acid with similar properties. This amino acid position is conserved. In addition, this alteration is predicted to be tolerated by in silico analysis. Since supporting evidence is limited at this time, the clinical significance of this alteration remains unclear.